The following is an entry in ClinVar:

ClinVar aggregate classification (germline): Uncertain significance (1 of 4 stars; one submission).

Allele frequency attached by ClinVar (database versions not stated): gnomAD exomes below 0.00001; TOPMed below 0.00001; gnomAD 0.00001.
gnomAD v4.1: 3 of 1,614,086 alleles (0.00019%); highest among the groups gnomAD compares: Non-Finnish European, 0.00017%; no homozygotes.

Submission:

Labcorp Genetics (formerly Invitae), Labcorp
Classification: Uncertain significance. Last evaluated: 2023-12-19. Review status: criteria provided, single submitter. Criteria: Invitae Variant Classification Sherloc (09022015). Collection method: clinical testing. Allele origin: germline.
Comment: This sequence change replaces lysine, which is basic and polar, with arginine, which is basic and polar, at codon 1234 of the ERBB4 protein (p.Lys1234Arg). This variant is not present in population databases (gnomAD no frequency). This variant has not been reported in the literature in individuals affected with ERBB4-related conditions. Algorithms developed to predict the effect of missense changes on protein structure and function output the following: SIFT: "Not Available"; PolyPhen-2: "Benign"; Align-GVGD: "Not Available". The arginine amino acid residue is found in multiple mammalian species, which suggests that this missense change does not adversely affect protein function. In summary, the available evidence is currently insufficient to determine the role of this variant in disease. Therefore, it has been classified as a Variant of Uncertain Significance.

NM_005235.3(ERBB4):c.3701A>G (p.Lys1234Arg)

Gene: ERBB4 (erb-b2 receptor tyrosine kinase 4; minus strand). Cytogenetic location: 2q34.
Variant type: single nucleotide variant.
Coding change: c.3701A>G on transcript NM_005235.3 (MANE Select); coding-DNA position 3701, A replaced by G.
Protein change: p.Lys1234Arg; replaces lysine 1234 with arginine.
Molecular consequence: missense variant.
Genome position (GRCh38, 1-based): chr2:211,383,841, T>C on the plus strand (A>G on the coding strand, the complement: ERBB4 is on the minus strand). VCF-style: chr2-211383841-T-C. GRCh37 (hg19) VCF-style: chr2-212248566-T-C.
Other names: c.3653A>G, p.Lys1218Arg (NM_001042599.2); short protein forms K1218R, K1234R.
Identifiers: ClinVar variation 2870997 (VCV002870997.3), dbSNP rs1210422013, ClinGen allele CA350779889.